The following is an entry in ClinVar:

ClinVar aggregate classification (germline): Likely benign. Review status: criteria provided, single submitter (1 of 4 stars). 2 submissions from 2 submitters: Likely benign (1). 1 of the submissions does not count toward it. Last evaluated 2024-02-06.

Conditions:
OTOG-related disorder. Also called: OTOG-related condition.

Allele frequency attached by ClinVar (database versions not stated): TOPMed 0.00004.
gnomAD v4.1: 58 of 1,550,424 alleles (0.0037%); highest among the groups gnomAD compares: Admixed American, 0.012%; no homozygotes.

Submissions (2):

Labcorp Genetics (formerly Invitae), Labcorp
Classification: Likely benign. Last evaluated: 2024-02-06. Review status: criteria provided, single submitter. Criteria: Invitae Variant Classification Sherloc (09022015). Collection method: clinical testing. Allele origin: germline.

PreventionGenetics, part of Exact Sciences
Classification: Likely benign for OTOG-related condition. Last evaluated: 2020-04-28. Review status: no assertion criteria provided. Collection method: clinical testing. Allele origin: germline. Not counted in ClinVar's aggregate classification.
Comment: This variant is classified as likely benign based on ACMG/AMP sequence variant interpretation guidelines (Richards et al. 2015 PMID: 25741868, with internal and published modifications).

NM_001292063.2(OTOG):c.882C>T (p.Asp294=)

Gene: OTOG (otogelin; plus strand). Cytogenetic location: 11p15.1.
Variant type: single nucleotide variant.
Coding change: c.882C>T on transcript NM_001292063.2 (MANE Select); coding-DNA position 882, C replaced by T.
Protein change: p.Asp294=; no amino-acid change (aspartic acid 294 retained).
Molecular consequence: synonymous variant.
Genome position (GRCh38, 1-based): chr11:17,558,201, C>T. VCF-style: chr11-17558201-C-T. GRCh37 (hg19) VCF-style: chr11-17579748-C-T.
Other names: c.918C>T, p.Asp306= (NM_001277269.2); c.918C>T (NM_001277269.1).
Identifiers: ClinVar variation 1453210 (VCV001453210.10), dbSNP rs553788179, ClinGen allele CA218494956.